The following is an entry in ClinVar:

ClinVar aggregate classification (germline): Uncertain significance. Review status: criteria provided, multiple submitters, no conflicts (2 of 4 stars). 2 submissions from 2 submitters: Uncertain significance (2). Last evaluated 2024-11-05.

Allele frequency attached by ClinVar (database versions not stated): gnomAD exomes 0.00001.
gnomAD v4.1: 9 of 1,614,080 alleles (0.00056%); highest among the groups gnomAD compares: Middle Eastern, 0.016%; no homozygotes.

Submissions (2):

Blueprint Genetics
Classification: Uncertain significance. Last evaluated: 2024-11-05. Review status: criteria provided, single submitter. Criteria: ACMG Guidelines, 2015. Collection method: clinical testing. Allele origin: germline.

Labcorp Genetics (formerly Invitae), Labcorp
Classification: Uncertain significance. Last evaluated: 2022-03-24. Review status: criteria provided, single submitter. Criteria: Invitae Variant Classification Sherloc (09022015). Collection method: clinical testing. Allele origin: germline.
Comment: In summary, the available evidence is currently insufficient to determine the role of this variant in disease. Therefore, it has been classified as a Variant of Uncertain Significance. Algorithms developed to predict the effect of missense changes on protein structure and function output the following: SIFT: "Tolerated"; PolyPhen-2: "Benign"; Align-GVGD: "Class C0". The isoleucine amino acid residue is found in multiple mammalian species, which suggests that this missense change does not adversely affect protein function. This variant has not been reported in the literature in individuals affected with VCAN-related conditions. This variant is present in population databases (no rsID available, gnomAD 0.003%). This sequence change replaces threonine, which is neutral and polar, with isoleucine, which is neutral and non-polar, at codon 2650 of the VCAN protein (p.Thr2650Ile).

NM_004385.5(VCAN):c.7949C>T (p.Thr2650Ile)

Genes: VCAN (versican; plus strand), VCAN-AS1 (VCAN antisense RNA 1; minus strand). Cytogenetic location: 5q14.3.
Variant type: single nucleotide variant.
Coding change: c.7949C>T on transcript NM_004385.5 (MANE Select); coding-DNA position 7949, C replaced by T.
Protein change: p.Thr2650Ile; replaces threonine 2650 with isoleucine.
Molecular consequence: missense variant. On other transcripts: intron variant (2).
Genome position (GRCh38, 1-based): chr5:83,540,952, C>T. VCF-style: chr5-83540952-C-T. GRCh37 (hg19) VCF-style: chr5-82836771-C-T.
Other names: c.4988C>T, p.Thr1663Ile (NM_001164097.2); c.4004-4585C>T (NM_001164098.2); c.1043-4585C>T (NM_001126336.3); short protein forms T2650I, T1663I.
Identifiers: ClinVar variation 1952774 (VCV001952774.6), dbSNP rs1327165552, ClinGen allele CA360315866.